The following is an entry in ClinVar:

NM_004304.5(ALK):c.2780G>T (p.Gly927Val)

Gene: ALK (ALK receptor tyrosine kinase; minus strand). Cytogenetic location: 2p23.2.
Variant type: single nucleotide variant.
Coding change: c.2780G>T on transcript NM_004304.5 (MANE Select); coding-DNA position 2780, G replaced by T.
Protein change: p.Gly927Val; replaces glycine 927 with valine.
Molecular consequence: missense variant.
Genome position (GRCh38, 1-based): chr2:29,228,919, C>A on the plus strand (G>T on the coding strand, the complement: ALK is on the minus strand). VCF-style: chr2-29228919-C-A. GRCh37 (hg19) VCF-style: chr2-29451785-C-A.
Other names: c.2780G>T (NM_004304.4); short protein forms G927V.
Identifiers: ClinVar variation 1395135 (VCV001395135.7), dbSNP rs2148180455, ClinGen allele CA346469562.
Genomic context (GRCh38, chr2:29,228,919, plus strand): 5'-CACCTTGAACACGAATCATCTTTACCTATATATCCTCCGCCTCCTCCACCTGAGGAGCAC[C>A]CCCCTCCACCCCCTCCGAAACCCCCTCTTGTCTCCCACCCCCACTTCTTCATGGCCTGGG-3'
Protein context (NP_004295.2, residues 917-937): TRGGFGGGGG[Gly927Val]CSSGGGGGGY

ClinVar aggregate classification (germline): Uncertain significance. Review status: criteria provided, multiple submitters, no conflicts (2 of 4 stars). 2 submissions from 2 submitters: Uncertain significance (2). Last evaluated 2023-12-21.

Conditions:
Hereditary cancer-predisposing syndrome. Also called: Hereditary neoplastic syndrome; Neoplastic Syndromes, Hereditary; Hereditary Cancer Syndrome; Tumor predisposition. Identifiers: Orphanet 140162, MedGen C0027672, MeSH D009386, MONDO:0015356.
Neuroblastoma, susceptibility to, 3. Also called: ALK-Related Neuroblastic Tumor Susceptibility. Identifiers: Orphanet 635, MedGen C2751681, MONDO:0013083, OMIM 613014.

Submissions (2):

Ambry Genetics
Classification: Uncertain significance for Hereditary cancer-predisposing syndrome. Last evaluated: 2023-12-21. Review status: criteria provided, single submitter. Criteria: Ambry Variant Classification Scheme 2023. Collection method: clinical testing. Allele origin: germline.
Comment: The p.G927V variant (also known as c.2780G>T), located in coding exon 16 of the ALK gene, results from a G to T substitution at nucleotide position 2780. The glycine at codon 927 is replaced by valine, an amino acid with dissimilar properties. This amino acid position is conserved. In addition, the in silico prediction for this alteration is inconclusive. Since supporting evidence is limited at this time, the clinical significance of this alteration remains unclear.

Labcorp Genetics (formerly Invitae), Labcorp
Classification: Uncertain significance for Neuroblastoma, susceptibility to, 3. Last evaluated: 2021-11-26. Review status: criteria provided, single submitter. Criteria: Invitae Variant Classification Sherloc (09022015). Collection method: clinical testing. Allele origin: germline.
Comment: This sequence change replaces glycine, which is neutral and non-polar, with valine, which is neutral and non-polar, at codon 927 of the ALK protein (p.Gly927Val). In summary, the available evidence is currently insufficient to determine the role of this variant in disease. Therefore, it has been classified as a Variant of Uncertain Significance. Algorithms developed to predict the effect of sequence changes on RNA splicing suggest that this variant may create or strengthen a splice site. Algorithms developed to predict the effect of missense changes on protein structure and function (SIFT, PolyPhen-2, Align-GVGD) all suggest that this variant is likely to be disruptive. This variant has not been reported in the literature in individuals affected with ALK-related conditions. This variant is not present in population databases (gnomAD no frequency).